The following is an entry in ClinVar:

NM_001372.4(DNAH9):c.6402G>A (p.Val2134=)

Gene: DNAH9 (dynein axonemal heavy chain 9; plus strand). Cytogenetic location: 17p12.
Variant type: single nucleotide variant.
Coding change: c.6402G>A on transcript NM_001372.4 (MANE Select); coding-DNA position 6402, G replaced by A.
Protein change: p.Val2134=; no amino-acid change (valine 2134 retained).
Molecular consequence: synonymous variant.
Genome position (GRCh38, 1-based): chr17:11,747,558, G>A. VCF-style: chr17-11747558-G-A. GRCh37 (hg19) VCF-style: chr17-11650875-G-A.
Other names: c.6402G>A (NM_001372.3).
Identifiers: ClinVar variation 2163455 (VCV002163455.5), dbSNP rs147024770, ClinGen allele CA8396308.

ClinVar aggregate classification (germline): Conflicting classifications of pathogenicity. Review status: criteria provided, conflicting classifications (1 of 4 stars). 2 submissions from 2 submitters: Uncertain significance (1); Likely benign (1). Last evaluated 2025-11-27.

Conditions:
DNAH9-related disorder. Also called: DNAH9-related condition.

Allele frequency attached by ClinVar (database versions not stated): ExAC 0.00016; gnomAD 0.00018; gnomAD exomes 0.00018; TOPMed 0.00018; ESP Exome Variant Server 0.00031.
gnomAD v4.1: 286 of 1,612,916 alleles (0.018%); highest among the groups gnomAD compares: Non-Finnish European, 0.024%; no homozygotes.

Submissions (2):

Labcorp Genetics (formerly Invitae), Labcorp
Classification: Likely benign. Last evaluated: 2025-11-27. Review status: criteria provided, single submitter. Criteria: Invitae Variant Classification Sherloc (09022015). Collection method: clinical testing. Allele origin: germline.

PreventionGenetics, part of Exact Sciences
Classification: Uncertain significance for DNAH9-related condition. Last evaluated: 2023-03-10. Review status: criteria provided, single submitter. Criteria: ACMG Guidelines, 2015. Collection method: clinical testing. Allele origin: germline.
Comment: The DNAH9 c.6402G>A variant is not predicted to result in an amino acid change (p.=). This variant is predicted to alter splicing based on available splicing prediction programs (Alamut Visual Plus v1.6.1). However, such computer prediction programs are imperfect. To our knowledge, this variant has not been reported in the literature. This variant is reported in 0.030% of alleles in individuals of European (Non-Finnish) descent in gnomAD. At this time, the clinical significance of this variant is uncertain due to the absence of conclusive functional and genetic evidence.